The following is an entry in ClinVar:

ClinVar aggregate classification (germline): Uncertain significance (1 of 4 stars; one submission).

Conditions:
Holocarboxylase synthetase deficiency. Also called: MULTIPLE CARBOXYLASE DEFICIENCY, EARLY ONSET. Identifiers: Orphanet 79242, MedGen C0268581, MONDO:0009666, OMIM 253270.

Allele frequency attached by ClinVar (database versions not stated): ExAC 0.00003; gnomAD exomes 0.00003; TOPMed 0.00004; gnomAD 0.00005; ESP Exome Variant Server 0.00008.
gnomAD v4.1: 49 of 1,613,936 alleles (0.003%); highest among the groups gnomAD compares: Non-Finnish European, 0.0037%; no homozygotes.

Submission:

Labcorp Genetics (formerly Invitae), Labcorp
Classification: Uncertain significance for Holocarboxylase synthetase deficiency. Last evaluated: 2021-12-02. Review status: criteria provided, single submitter. Criteria: Invitae Variant Classification Sherloc (09022015). Collection method: clinical testing. Allele origin: germline.
Comment: This sequence change replaces glycine, which is neutral and non-polar, with serine, which is neutral and polar, at codon 711 of the HLCS protein (p.Gly711Ser). This variant is present in population databases (rs371982620, gnomAD 0.008%). This variant has not been reported in the literature in individuals affected with HLCS-related conditions. Advanced modeling of protein sequence and biophysical properties (such as structural, functional, and spatial information, amino acid conservation, physicochemical variation, residue mobility, and thermodynamic stability) performed at Invitae indicates that this missense variant is expected to disrupt HLCS protein function. Algorithms developed to predict the effect of sequence changes on RNA splicing suggest that this variant may create or strengthen a splice site. In summary, the available evidence is currently insufficient to determine the role of this variant in disease. Therefore, it has been classified as a Variant of Uncertain Significance.

NM_001352514.2(HLCS):c.2572G>A (p.Gly858Ser)

Gene: HLCS (holocarboxylase synthetase; minus strand). Cytogenetic location: 21q22.13.
Variant type: single nucleotide variant.
Coding change: c.2572G>A on transcript NM_001352514.2 (MANE Select); coding-DNA position 2572, G replaced by A.
Protein change: p.Gly858Ser; replaces glycine 858 with serine.
Molecular consequence: missense variant. On other transcripts: non-coding transcript variant (2).
Genome position (GRCh38, 1-based): chr21:36,754,296, C>T on the plus strand (G>A on the coding strand, the complement: HLCS is on the minus strand). VCF-style: chr21-36754296-C-T. GRCh37 (hg19) VCF-style: chr21-38126597-C-T.
Other names: c.2131G>A, p.Gly711Ser (NM_000411.8, NM_001242784.3, NM_001242785.2 and 4 more transcripts); short protein forms G858S, G711S.
Identifiers: ClinVar variation 2061053 (VCV002061053.1), dbSNP rs371982620, ClinGen allele CA10020214.